The following is an entry in ClinVar:

ClinVar aggregate classification (germline): Uncertain significance (1 of 4 stars; one submission).

Conditions:
Glycogen storage disease type III (GSD3). Also called: Cori disease; FORBES DISEASE. Identifiers: Orphanet 366, MedGen C0017922, MONDO:0009291, OMIM 232400.

Submission:

Labcorp Genetics (formerly Invitae), Labcorp
Classification: Uncertain significance for Glycogen storage disease type III. Last evaluated: 2022-03-29. Review status: criteria provided, single submitter. Criteria: Invitae Variant Classification Sherloc (09022015). Collection method: clinical testing. Allele origin: germline.
Comment: This sequence change replaces alanine, which is neutral and non-polar, with serine, which is neutral and polar, at codon 1189 of the AGL protein (p.Ala1189Ser). This variant is not present in population databases (gnomAD no frequency). This variant has not been reported in the literature in individuals affected with AGL-related conditions. Algorithms developed to predict the effect of missense changes on protein structure and function output the following: SIFT: "Tolerated"; PolyPhen-2: "Benign"; Align-GVGD: "Class C0". The serine amino acid residue is found in multiple mammalian species, which suggests that this missense change does not adversely affect protein function. In summary, the available evidence is currently insufficient to determine the role of this variant in disease. Therefore, it has been classified as a Variant of Uncertain Significance.

NM_000642.3(AGL):c.3565G>T (p.Ala1189Ser)

Gene: AGL (amylo-alpha-1,6-glucosidase and 4-alpha-glucanotransferase; plus strand). Cytogenetic location: 1p21.2.
Variant type: single nucleotide variant.
Coding change: c.3565G>T on transcript NM_000642.3 (MANE Select); coding-DNA position 3565, G replaced by T.
Protein change: p.Ala1189Ser; replaces alanine 1189 with serine.
Molecular consequence: missense variant.
Genome position (GRCh38, 1-based): chr1:99,900,838, G>T. VCF-style: chr1-99900838-G-T. GRCh37 (hg19) VCF-style: chr1-100366394-G-T.
Other names: c.3565G>T, p.Ala1189Ser (NM_000028.3, NM_000643.3, NM_000644.3 and 1 more transcripts); c.3517G>T, p.Ala1173Ser (NM_000646.3); c.3544G>T, p.Ala1182Ser (NM_001425326.1); c.3364G>T, p.Ala1122Ser (NM_001425327.1); c.3361G>T, p.Ala1121Ser (NM_001425328.1); c.3226G>T, p.Ala1076Ser (NM_001425329.1); c.3187G>T, p.Ala1063Ser (NM_001425332.1); short protein forms A1189S, A1173S, A1063S, A1076S, A1121S, A1122S, A1182S.
Identifiers: ClinVar variation 2202511 (VCV002202511.1), dbSNP rs367721028, ClinGen allele CA341332779.
Genomic context (GRCh38, chr1:99,900,838, plus strand): 5'-CCAAATGGTCTAGACATTCTCAAGTGCCCAGTTTCCAGAATGTATCCTACAGATGATTCT[G>T]CTCCTTTGCCTGCTGGCACACTGGTAAAGATATTTCTTAAAATGTTTTTTTGTTTTTTTT-3'
Protein context (NP_000633.2, residues 1179-1199): VSRMYPTDDS[Ala1189Ser]PLPAGTLDQP